The following is an entry in ClinVar:

NM_006015.6(ARID1A):c.6797T>C (p.Leu2266Ser)

Gene: ARID1A (AT-rich interaction domain 1A; plus strand). Cytogenetic location: 1p36.11.
Variant type: single nucleotide variant.
Coding change: c.6797T>C on transcript NM_006015.6 (MANE Select); coding-DNA position 6797, T replaced by C.
Protein change: p.Leu2266Ser; replaces leucine 2266 with serine.
Molecular consequence: missense variant.
Genome position (GRCh38, 1-based): chr1:26,780,695, T>C. VCF-style: chr1-26780695-T-C. GRCh37 (hg19) VCF-style: chr1-27107186-T-C.
Other names: c.6146T>C, p.Leu2049Ser (NM_139135.4); short protein forms L2049S, L2266S.
Identifiers: ClinVar variation 4761263 (VCV004761263.1).
Genomic context (GRCh38, chr1:26,780,695, plus strand): 5'-AGAACCACTCAGAGTTTACTCTGTACGAATCACGGCTGTTGGACATCTCGGTATCACCGT[T>C]GATGAACTCATTGGTTTCACAAGTCATTTGTGATGTACTGTTTTTGATTGGCCAGTCATG-3'
Protein context (NP_006006.3, residues 2256-2276): SRLLDISVSP[Leu2266Ser]MNSLVSQVIC

ClinVar aggregate classification (germline): Uncertain significance (1 of 4 stars; one submission).

Submission:

Labcorp Genetics (formerly Invitae), Labcorp
Classification: Uncertain significance. Last evaluated: 2025-10-02. Review status: criteria provided, single submitter. Criteria: Invitae Variant Classification Sherloc (09022015). Collection method: clinical testing. Allele origin: germline.
Comment: This sequence change replaces leucine, which is neutral and non-polar, with serine, which is neutral and polar, at codon 2266 of the ARID1A protein (p.Leu2266Ser). This variant is present in population databases (rs781328252, gnomAD 0.006%). This variant has not been reported in the literature in individuals affected with ARID1A-related conditions. Invitae Evidence Modeling of protein sequence and biophysical properties (such as structural, functional, and spatial information, amino acid conservation, physicochemical variation, residue mobility, and thermodynamic stability) has been performed for this missense variant. However, the output from this modeling did not meet the statistical confidence thresholds required to predict the impact of this variant on ARID1A protein function. In summary, the available evidence is currently insufficient to determine the role of this variant in disease. Therefore, it has been classified as a Variant of Uncertain Significance.